The following is an entry in ClinVar:

NC_000019.9:g.(?_33999648)_(34001938_?)del

Gene: PEPD (peptidase D; minus strand). Cytogenetic location: 19q13.11.
Variant type: Deletion.
Identifiers: ClinVar variation 3242636 (VCV003242636.1).

ClinVar aggregate classification (germline): Likely pathogenic (1 of 4 stars; one submission).

Submission:

Labcorp Genetics (formerly Invitae), Labcorp
Classification: Likely pathogenic. Last evaluated: 2023-11-13. Review status: criteria provided, single submitter. Criteria: Invitae Variant Classification Sherloc (09022015). Collection method: clinical testing. Allele origin: unknown.
Comment: This variant results in the deletion of part of exon 3 (c.325_329+2286del) of the PEPD gene. It is expected to disrupt RNA splicing. Variants that disrupt the donor or acceptor splice site typically lead to a loss of protein function (PMID: 16199547), and loss-of-function variants in PEPD are known to be pathogenic (PMID: 8198124, 10721675, 12384772, 17142620). This variant has not been reported in the literature in individuals affected with PEPD-related conditions. In summary, the currently available evidence indicates that the variant is pathogenic, but additional data are needed to prove that conclusively. Therefore, this variant has been classified as Likely Pathogenic.

Literature cited by the submitters: PubMed 16199547; PubMed 8198124; PubMed 10721675; PubMed 12384772; PubMed 17142620.